The following is an entry in ClinVar:

NM_022489.4(INF2):c.3153C>A (p.Asp1051Glu)

Gene: INF2 (inverted formin 2; plus strand). Cytogenetic location: 14q32.33.
Variant type: single nucleotide variant.
Coding change: c.3153C>A on transcript NM_022489.4 (MANE Select); coding-DNA position 3153, C replaced by A.
Protein change: p.Asp1051Glu; replaces aspartic acid 1051 with glutamic acid.
Molecular consequence: missense variant.
Genome position (GRCh38, 1-based): chr14:104,714,315, C>A. VCF-style: chr14-104714315-C-A. GRCh37 (hg19) VCF-style: chr14-105180652-C-A.
Other names: c.3153C>A, p.Asp1051Glu (NM_001031714.4); short protein forms D1051E.
Identifiers: ClinVar variation 1053566 (VCV001053566.9), dbSNP rs117457867, ClinGen allele CA391223644.

ClinVar aggregate classification (germline): Uncertain significance (1 of 4 stars; one submission).

Conditions:
Focal segmental glomerulosclerosis 5 (FSGS5). Identifiers: Orphanet 656, MedGen C2750475, MONDO:0013191, OMIM 613237.
Charcot-Marie-Tooth disease dominant intermediate E. Also called: CHARCOT-MARIE-TOOTH NEUROPATHY WITH FOCAL SEGMENTAL GLOMERULONEPHRITIS. Identifiers: Orphanet 93114, MedGen C4302667, MONDO:0013758, OMIM 614455.

Submission:

Labcorp Genetics (formerly Invitae), Labcorp
Classification: Uncertain significance for Charcot-Marie-Tooth disease dominant intermediate E; Focal segmental glomerulosclerosis 5. Last evaluated: 2021-06-16. Review status: criteria provided, single submitter. Criteria: Invitae Variant Classification Sherloc (09022015). Collection method: clinical testing. Allele origin: germline.
Comment: Algorithms developed to predict the effect of missense changes on protein structure and function are either unavailable or do not agree on the potential impact of this missense change (SIFT: "Tolerated"; PolyPhen-2: "Not Available"; Align-GVGD: "Class C0"). In summary, the available evidence is currently insufficient to determine the role of this variant in disease. Therefore, it has been classified as a Variant of Uncertain Significance. This variant has not been reported in the literature in individuals with INF2-related conditions. This variant is not present in population databases (ExAC no frequency). This sequence change replaces aspartic acid with glutamic acid at codon 1051 of the INF2 protein (p.Asp1051Glu). The aspartic acid residue is weakly conserved and there is a small physicochemical difference between aspartic acid and glutamic acid.